The following is an entry in ClinVar:

ClinVar aggregate classification (germline): Uncertain significance (1 of 4 stars; one submission).

Conditions:
Immunodeficiency. Identifiers: MedGen C0021051, MONDO:0021094, HP:0002721.

Submission:

Labcorp Genetics (formerly Invitae), Labcorp
Classification: Uncertain significance for Immunodeficiency. Last evaluated: 2023-03-27. Review status: criteria provided, single submitter. Criteria: Invitae Variant Classification Sherloc (09022015). Collection method: clinical testing. Allele origin: germline.
Comment: In summary, the available evidence is currently insufficient to determine the role of this variant in disease. Therefore, it has been classified as a Variant of Uncertain Significance. An algorithm developed to predict the effect of missense changes on protein structure and function (PolyPhen-2) suggests that this variant is likely to be tolerated. This variant has not been reported in the literature in individuals affected with NFAT5-related conditions. This variant is not present in population databases (gnomAD no frequency). This sequence change replaces glutamic acid, which is acidic and polar, with lysine, which is basic and polar, at codon 660 of the NFAT5 protein (p.Glu660Lys).

NM_138713.4(NFAT5):c.2260G>A (p.Glu754Lys)

Gene: NFAT5 (nuclear factor of activated T cells 5; plus strand). Cytogenetic location: 16q22.1.
Variant type: single nucleotide variant.
Coding change: c.2260G>A on transcript NM_138713.4 (MANE Select); coding-DNA position 2260, G replaced by A.
Protein change: p.Glu754Lys; replaces glutamic acid 754 with lysine.
Molecular consequence: missense variant.
Genome position (GRCh38, 1-based): chr16:69,692,085, G>A. VCF-style: chr16-69692085-G-A. GRCh37 (hg19) VCF-style: chr16-69725988-G-A.
Other names: c.2257G>A, p.Glu753Lys (NM_001113178.3); c.1585G>A, p.Glu529Lys (NM_001367709.1); c.2206G>A, p.Glu736Lys (NM_006599.4); c.1978G>A, p.Glu660Lys (NM_138714.4, NM_173214.3, NM_173215.3); short protein forms E753K, E736K, E529K, E660K, E754K.
Identifiers: ClinVar variation 2850267 (VCV002850267.3), dbSNP rs2544231222, ClinGen allele CA396507840.